The following is an entry in ClinVar:

NM_000070.3(CAPN3):c.519G>A (p.Trp173Ter)

Gene: CAPN3 (calpain 3; plus strand). Cytogenetic location: 15q15.1.
Variant type: single nucleotide variant.
Coding change: c.519G>A on transcript NM_000070.3 (MANE Select); coding-DNA position 519, G replaced by A.
Protein change: p.Trp173Ter; replaces tryptophan 173 with a stop codon.
Molecular consequence: nonsense.
Genome position (GRCh38, 1-based): chr15:42,387,773, G>A. VCF-style: chr15-42387773-G-A. GRCh37 (hg19) VCF-style: chr15-42679971-G-A.
Other names: c.519G>A, p.Trp173Ter (NM_024344.2, NM_173087.2); short protein forms W173*.
Identifiers: ClinVar variation 843556 (VCV000843556.13), dbSNP rs2053442769, ClinGen allele CA391997788.

ClinVar aggregate classification (germline): Pathogenic/Likely pathogenic. Review status: criteria provided, multiple submitters, no conflicts (2 of 4 stars). 2 submissions from 2 submitters: Pathogenic (1); Likely pathogenic (1). Last evaluated 2022-07-18.

Conditions:
Autosomal recessive limb-girdle muscular dystrophy type 2A (LGMDR1). Also called: MUSCULAR DYSTROPHY, PELVOFEMORAL; Limb-girdle muscular dystrophy, type 2A; Muscular dystrophy, limb-girdle, type 2A, Amish; LEYDEN-MOEBIUS MUSCULAR DYSTROPHY; Calpainopathy. Identifiers: Orphanet 267, MedGen C1869123, MONDO:0009675, OMIM 253600. Disease mechanism: loss of function.

Submissions (2):

Labcorp Genetics (formerly Invitae), Labcorp
Classification: Pathogenic for Autosomal recessive limb-girdle muscular dystrophy type 2A. Last evaluated: 2022-07-18. Review status: criteria provided, single submitter. Criteria: Invitae Variant Classification Sherloc (09022015). Collection method: clinical testing. Allele origin: germline.
Comment: This sequence change creates a premature translational stop signal (p.Trp173*) in the CAPN3 gene. It is expected to result in an absent or disrupted protein product. Loss-of-function variants in CAPN3 are known to be pathogenic (PMID: 10330340, 15689361). This variant is not present in population databases (gnomAD no frequency). This variant has not been reported in the literature in individuals affected with CAPN3-related conditions. ClinVar contains an entry for this variant (Variation ID: 843556). Algorithms developed to predict the effect of sequence changes on RNA splicing suggest that this variant may create or strengthen a splice site. For these reasons, this variant has been classified as Pathogenic.

Myriad Genetics, Inc.
Classification: Likely pathogenic for Autosomal recessive limb-girdle muscular dystrophy type 2A. Last evaluated: 2019-05-29. Review status: criteria provided, single submitter. Criteria: Myriad Women's Health Autosomal Recessive and X-Linked Classification Criteria (2019). Collection method: clinical testing. Allele origin: unknown.
Comment: NM_000070.2(CAPN3):c.519G>A(W173*) is expected to be pathogenic in the context of calpainopathy. This variant is predicted to lead to an abnormal or absent protein product due to the creation of a premature termination codon in CAPN3, a gene where loss-of-function variants are known to be pathogenic. Please note: this variant was assessed in the context of healthy population screening.

Literature cited by the submitters: PubMed 10330340 (cited by Labcorp Genetics (formerly Invitae), Labcorp); PubMed 15689361 (cited by Labcorp Genetics (formerly Invitae), Labcorp).